The following is an entry in ClinVar:

ClinVar aggregate classification (germline): Uncertain significance (1 of 4 stars; one submission).

Conditions:
Primary ciliary dyskinesia 30. Also called: CILIARY DYSKINESIA, PRIMARY, 30, WITH OR WITHOUT SITUS INVERSUS. Identifiers: Orphanet 244, MedGen C4015016, MONDO:0014465, OMIM 616037.

gnomAD v4.1: 3 of 1,614,092 alleles (0.00019%); highest among the groups gnomAD compares: Admixed American, 0.0017%; no homozygotes.

Submission:

Labcorp Genetics (formerly Invitae), Labcorp
Classification: Uncertain significance for Primary ciliary dyskinesia 30. Last evaluated: 2025-04-02. Review status: criteria provided, single submitter. Criteria: Invitae Variant Classification Sherloc (09022015). Collection method: clinical testing. Allele origin: germline.
Comment: This sequence change replaces glycine, which is neutral and non-polar, with valine, which is neutral and non-polar, at codon 56 of the CCDC151 protein (p.Gly56Val). This variant is not present in population databases (gnomAD no frequency). This variant has not been reported in the literature in individuals affected with CCDC151-related conditions. ClinVar contains an entry for this variant (Variation ID: 3706012). An algorithm developed to predict the effect of missense changes on protein structure and function (PolyPhen-2) suggests that this variant is likely to be tolerated. In summary, the available evidence is currently insufficient to determine the role of this variant in disease. Therefore, it has been classified as a Variant of Uncertain Significance.

NM_145045.5(ODAD3):c.167G>T (p.Gly56Val)

Gene: ODAD3 (outer dynein arm docking complex subunit 3; minus strand). Cytogenetic location: 19p13.2.
Variant type: single nucleotide variant.
Coding change: c.167G>T on transcript NM_145045.5 (MANE Select); coding-DNA position 167, G replaced by T.
Protein change: p.Gly56Val; replaces glycine 56 with valine.
Molecular consequence: missense variant. On other transcripts: intron variant (1).
Genome position (GRCh38, 1-based): chr19:11,434,850, C>A on the plus strand (G>T on the coding strand, the complement: ODAD3 is on the minus strand). VCF-style: chr19-11434850-C-A. GRCh37 (hg19) VCF-style: chr19-11545671-C-A.
Other names: c.167G>T, p.Gly56Val (NM_001302454.2); c.82+840G>T (NM_001302453.1); short protein forms G56V.
Identifiers: ClinVar variation 3706012 (VCV003706012.2).